The following is an entry in ClinVar:

ClinVar aggregate classification (germline): Uncertain significance. Review status: criteria provided, multiple submitters, no conflicts (2 of 4 stars). 3 submissions from 3 submitters: Uncertain significance (3). Last evaluated 2023-02-10.

Conditions:
Inborn genetic diseases. Identifiers: MedGen C0950123, MeSH D030342.

Allele frequency attached by ClinVar (database versions not stated): ExAC 0.00012.
gnomAD v4.1: 35 of 1,611,648 alleles (0.0022%); highest among the groups gnomAD compares: Admixed American, 0.053%; no homozygotes.

Submissions (3):

Ambry Genetics
Classification: Uncertain significance for Inborn genetic diseases. Last evaluated: 2023-02-10. Review status: criteria provided, single submitter. Criteria: Ambry Variant Classification Scheme 2023. Collection method: clinical testing. Allele origin: germline.

GeneDx
Classification: Uncertain significance. Last evaluated: 2022-08-24. Review status: criteria provided, single submitter. Criteria: GeneDx Variant Classification Process June 2021. Collection method: clinical testing. Allele origin: germline. Affected: yes.
Comment: In silico analysis supports that this missense variant has a deleterious effect on protein structure/function; Has not been previously published as pathogenic or benign to our knowledge

Labcorp Genetics (formerly Invitae), Labcorp
Classification: Uncertain significance. Last evaluated: 2021-11-05. Review status: criteria provided, single submitter. Criteria: Invitae Variant Classification Sherloc (09022015). Collection method: clinical testing. Allele origin: germline.
Comment: In summary, the available evidence is currently insufficient to determine the role of this variant in disease. Therefore, it has been classified as a Variant of Uncertain Significance. Algorithms developed to predict the effect of missense changes on protein structure and function (SIFT, PolyPhen-2, Align-GVGD) all suggest that this variant is likely to be tolerated. This variant has not been reported in the literature in individuals affected with ASCC1-related conditions. This variant is present in population databases (rs764646626, gnomAD 0.06%). This sequence change replaces glutamic acid, which is acidic and polar, with lysine, which is basic and polar, at codon 102 of the ASCC1 protein (p.Glu102Lys).

NM_001198800.3(ASCC1):c.304G>A (p.Glu102Lys)

Gene: ASCC1 (activating signal cointegrator 1 complex subunit 1; minus strand). Cytogenetic location: 10q22.1.
Variant type: single nucleotide variant.
Coding change: c.304G>A on transcript NM_001198800.3 (MANE Select); coding-DNA position 304, G replaced by A.
Protein change: p.Glu102Lys; replaces glutamic acid 102 with lysine.
Molecular consequence: missense variant. On other transcripts: non-coding transcript variant (1).
Genome position (GRCh38, 1-based): chr10:72,203,433, C>T on the plus strand (G>A on the coding strand, the complement: ASCC1 is on the minus strand). VCF-style: chr10-72203433-C-T. GRCh37 (hg19) VCF-style: chr10-73963191-C-T.
Other names: c.304G>A, p.Glu102Lys (NM_001198798.2, NM_001369087.1, NM_001369088.1 and 18 more transcripts); c.388G>A, p.Glu130Lys (NM_001198799.3); c.370G>A, p.Glu124Lys (NM_001369085.1, NM_001369086.1, NM_001369099.1); c.187G>A, p.Glu63Lys (NM_001369101.1, NM_001369102.1, NM_001369105.1 and 2 more transcripts); c.304G>A (NM_001198800.2, NM_001198800.1); short protein forms E102K, E124K, E63K, E130K.
Identifiers: ClinVar variation 1356810 (VCV001356810.6), dbSNP rs764646626, ClinGen allele CA5549064.